The following is an entry in ClinVar:

ClinVar aggregate classification (germline): Uncertain significance (1 of 4 stars; one submission).

Conditions:
EP300-related disorder. Also called: EP300-related condition; EP300-related disorders.

gnomAD v4.1: 3 of 1,614,212 alleles (0.00019%); highest among the groups gnomAD compares: South Asian, 0.0033%; no homozygotes.

Submission:

PreventionGenetics, part of Exact Sciences
Classification: Uncertain significance for EP300-related condition. Last evaluated: 2024-12-17. Review status: criteria provided, single submitter. Criteria: ACMG Guidelines, 2015. Collection method: clinical testing. Allele origin: germline.
Comment: The EP300 c.5732C>T variant is predicted to result in the amino acid substitution p.Pro1911Leu. To our knowledge, this variant has not been reported in the literature. This variant is reported in 0.0033% of alleles in individuals of South Asian descent in gnomAD. At this time, the clinical significance of this variant is uncertain due to the absence of conclusive functional and genetic evidence.

NM_001429.4(EP300):c.5732C>T (p.Pro1911Leu)

Gene: EP300 (EP300 lysine acetyltransferase; plus strand). Cytogenetic location: 22q13.2.
Variant type: single nucleotide variant.
Coding change: c.5732C>T on transcript NM_001429.4 (MANE Select); coding-DNA position 5732, C replaced by T.
Protein change: p.Pro1911Leu; replaces proline 1911 with leucine.
Molecular consequence: missense variant.
Genome position (GRCh38, 1-based): chr22:41,177,443, C>T. VCF-style: chr22-41177443-C-T. GRCh37 (hg19) VCF-style: chr22-41573447-C-T.
Other names: c.5654C>T, p.Pro1885Leu (NM_001362843.2); short protein forms P1885L, P1911L.
Identifiers: ClinVar variation 4998788 (VCV004998788.1).